The following is an entry in ClinVar:

ClinVar aggregate classification (germline): Uncertain significance (1 of 4 stars; one submission).

Allele frequency attached by ClinVar (database versions not stated): gnomAD 0.00001; TOPMed 0.00001; ExAC 0.00005; gnomAD exomes 0.00005.
gnomAD v4.1: 73 of 1,595,968 alleles (0.0046%); highest among the groups gnomAD compares: South Asian, 0.0067%; no homozygotes.

Submission:

Labcorp Genetics (formerly Invitae), Labcorp
Classification: Uncertain significance. Last evaluated: 2023-07-08. Review status: criteria provided, single submitter. Criteria: Invitae Variant Classification Sherloc (09022015). Collection method: clinical testing. Allele origin: germline.
Comment: In summary, the available evidence is currently insufficient to determine the role of this variant in disease. Therefore, it has been classified as a Variant of Uncertain Significance. An algorithm developed to predict the effect of missense changes on protein structure and function (PolyPhen-2) suggests that this variant is likely to be disruptive. This variant has not been reported in the literature in individuals affected with MCM2-related conditions. The frequency data for this variant in the population databases is considered unreliable, as metrics indicate poor data quality at this position in the gnomAD database. This sequence change replaces arginine, which is basic and polar, with cysteine, which is neutral and slightly polar, at codon 132 of the MCM2 protein (p.Arg132Cys).

NM_004526.4(MCM2):c.394C>T (p.Arg132Cys)

Gene: MCM2 (minichromosome maintenance complex component 2; plus strand). Cytogenetic location: 3q21.3.
Variant type: single nucleotide variant.
Coding change: c.394C>T on transcript NM_004526.4 (MANE Select); coding-DNA position 394, C replaced by T.
Protein change: p.Arg132Cys; replaces arginine 132 with cysteine.
Molecular consequence: missense variant. On other transcripts: non-coding transcript variant (1).
Genome position (GRCh38, 1-based): chr3:127,604,765, C>T. VCF-style: chr3-127604765-C-T. GRCh37 (hg19) VCF-style: chr3-127323608-C-T.
Other names: short protein forms R132C.
Identifiers: ClinVar variation 2780086 (VCV002780086.3), dbSNP rs769338291, ClinGen allele CA2595544.